The following is an entry in ClinVar:

NM_018341.3(ERMARD):c.1041_1044delinsAGCA (p.Phe347_Leu348delinsLeuAla)

Gene: ERMARD (ER membrane associated RNA degradation; plus strand). Cytogenetic location: 6q27.
Variant type: Indel.
Coding change: c.1041_1044delinsAGCA on transcript NM_018341.3 (MANE Select); coding-DNA positions 1041 to 1044, CCTT replaced by AGCA.
Protein change: p.Phe347_Leu348delinsLeuAla.
Molecular consequence: missense variant.
Genome position (GRCh38, 1-based): chr6:169,768,153-169,768,156, CCTT replaced by AGCA. VCF-style: chr6-169768153-CCTT-AGCA. GRCh37 (hg19) VCF-style: chr6-170168249-CCTT-AGCA.
Other names: c.1041_1044delinsAGCA, p.Phe347_Leu348delinsLeuAla (NM_001278531.2, NM_001278533.2); c.663_666delinsAGCA, p.Phe221_Leu222delinsLeuAla (NM_001278532.2); c.633_636delinsAGCA, p.Phe211_Leu212delinsLeuAla (NM_001410957.1).
Identifiers: ClinVar variation 3390298 (VCV003390298.14).
Genomic context (GRCh38, chr6:169,768,153, plus strand): 5'-GATGTTTTAGATATTGGCAAAACACTTGAATGATGGTAAAATCAATCAGCTTCCTCTTTT[CCTT>AGCA]GGAGAGCCTGCTATGGTAAGTATTAGGTATTTTCCAGGCTAATATTCTTGTATTTATGGA-3'

ClinVar aggregate classification (germline): Uncertain significance (1 of 4 stars; one submission).

Submission:

CeGaT Center for Human Genetics Tuebingen
Classification: Uncertain significance. Last evaluated: 2024-11-01. Review status: criteria provided, single submitter. Criteria: CeGaT Center For Human Genetics Tuebingen Variant Classification Criteria Version 2. Collection method: clinical testing. Allele origin: germline. Affected: yes. Observed: 1 variant allele.
Comment: ERMARD: PM2